The following is an entry in ClinVar:

NM_006306.4(SMC1A):c.1101G>A (p.Leu367=)

Gene: SMC1A (structural maintenance of chromosomes 1A; minus strand). Cytogenetic location: Xp11.22.
Variant type: single nucleotide variant.
Coding change: c.1101G>A on transcript NM_006306.4 (MANE Select); coding-DNA position 1101, G replaced by A.
Protein change: p.Leu367=; no amino-acid change (leucine 367 retained).
Molecular consequence: synonymous variant.
Genome position (GRCh38, 1-based): chrX:53,412,007, C>T on the plus strand (G>A on the coding strand, the complement: SMC1A is on the minus strand). VCF-style: chrX-53412007-C-T. GRCh37 (hg19) VCF-style: chrX-53438957-C-T.
Other names: c.1035G>A, p.Leu345= (NM_001281463.1).
Identifiers: ClinVar variation 772657 (VCV000772657.21), dbSNP rs782695048, ClinGen allele CA329907580.

ClinVar aggregate classification (germline): Benign/Likely benign. Review status: criteria provided, multiple submitters, no conflicts (2 of 4 stars). 4 submissions from 4 submitters: Benign (1); Likely benign (3). Last evaluated 2025-09-01.

Conditions:
Inborn genetic diseases. Identifiers: MedGen C0950123, MeSH D030342.
Congenital muscular hypertrophy-cerebral syndrome (CDLS2). Also called: SMC1A-Related Cornelia de Lange Syndrome; Cornelia de Lange syndrome 2. Identifiers: Orphanet 199, MedGen C1802395, MONDO:0010370, OMIM 300590.

Allele frequency attached by ClinVar (database versions not stated): gnomAD exomes 0.00002 and 0.00004; gnomAD 0.00003; TOPMed 0.00004.

Submissions (4):

CeGaT Center for Human Genetics Tuebingen
Classification: Likely benign. Last evaluated: 2025-09-01. Review status: criteria provided, single submitter. Criteria: CeGaT Center For Human Genetics Tuebingen Variant Classification Criteria Version 2. Collection method: clinical testing. Allele origin: germline. Affected: yes. Observed: 1 variant allele.
Comment: SMC1A: BP4, BP7, BS2

Labcorp Genetics (formerly Invitae), Labcorp
Classification: Likely benign for Congenital muscular hypertrophy-cerebral syndrome. Last evaluated: 2025-06-09. Review status: criteria provided, single submitter. Criteria: Invitae Variant Classification Sherloc (09022015). Collection method: clinical testing. Allele origin: germline.

GeneDx
Classification: Likely benign. Last evaluated: 2020-10-30. Review status: criteria provided, single submitter. Criteria: GeneDx Variant Classification Process June 2021. Collection method: clinical testing. Allele origin: germline. Affected: yes.

Ambry Genetics
Classification: Benign for Inborn genetic diseases. Last evaluated: 2019-05-24. Review status: criteria provided, single submitter. Criteria: Ambry Variant Classification Scheme 2023. Collection method: clinical testing. Allele origin: germline.